The following is an entry in ClinVar:

ClinVar aggregate classification (germline): Conflicting classifications of pathogenicity. Review status: criteria provided, conflicting classifications (1 of 4 stars). 3 submissions from 3 submitters: Uncertain significance (2); Likely benign (1). Last evaluated 2024-02-05.

Conditions:
Inborn genetic diseases. Identifiers: MedGen C0950123, MeSH D030342.
Intellectual developmental disorder, autosomal dominant 6, with or without seizures. Also called: Intellectual disability, autosomal dominant 6; GRIN2B-related developmental delay, intellectual disability and autism spectrum disorder. Identifiers: Orphanet 589547, MedGen C3151411, MONDO:0013509, OMIM 613970.
Developmental and epileptic encephalopathy, 27 (DEE27). Also called: Epileptic encephalopathy, early infantile, 27; GRIN2B-Related Neurodevelopmental Disorder. Identifiers: Orphanet 3451, MedGen C4015316, MONDO:0014505, OMIM 616139.

Allele frequency attached by ClinVar (database versions not stated): gnomAD exomes below 0.00001 and 0.00001; TOPMed 0.00002.
gnomAD v4.1: 6 of 1,592,152 alleles (0.00038%); highest among the groups gnomAD compares: Admixed American, 0.0033%; no homozygotes.

Submissions (3):

Ambry Genetics
Classification: Uncertain significance for Inborn genetic diseases. Last evaluated: 2024-02-05. Review status: criteria provided, single submitter. Criteria: Ambry Variant Classification Scheme 2023. Collection method: clinical testing. Allele origin: germline.

Labcorp Genetics (formerly Invitae), Labcorp
Classification: Uncertain significance for Developmental and epileptic encephalopathy, 27; Intellectual developmental disorder, autosomal dominant 6, with or without seizures. Last evaluated: 2022-11-24. Review status: criteria provided, single submitter. Criteria: Invitae Variant Classification Sherloc (09022015). Collection method: clinical testing. Allele origin: germline.
Comment: ClinVar contains an entry for this variant (Variation ID: 1189076). This variant has not been reported in the literature in individuals affected with GRIN2B-related conditions. Advanced modeling of protein sequence and biophysical properties (such as structural, functional, and spatial information, amino acid conservation, physicochemical variation, residue mobility, and thermodynamic stability) performed at Invitae indicates that this missense variant is not expected to disrupt GRIN2B protein function. In summary, the available evidence is currently insufficient to determine the role of this variant in disease. Therefore, it has been classified as a Variant of Uncertain Significance. This variant is present in population databases (no rsID available, gnomAD 0.006%). This sequence change replaces glutamine, which is neutral and polar, with lysine, which is basic and polar, at codon 331 of the GRIN2B protein (p.Gln331Lys).

GeneDx
Classification: Likely benign. Last evaluated: 2020-01-10. Review status: criteria provided, single submitter. Criteria: GeneDx Variant Classification Process June 2021. Collection method: clinical testing. Allele origin: germline. Affected: yes.
Comment: Has not been previously published as pathogenic or benign to our knowledge

NM_000834.5(GRIN2B):c.991C>A (p.Gln331Lys)

Gene: GRIN2B (glutamate ionotropic receptor NMDA type subunit 2B; minus strand). Cytogenetic location: 12p13.1.
Variant type: single nucleotide variant.
Coding change: c.991C>A on transcript NM_000834.5 (MANE Select); coding-DNA position 991, C replaced by A.
Protein change: p.Gln331Lys; replaces glutamine 331 with lysine.
Molecular consequence: missense variant.
Genome position (GRCh38, 1-based): chr12:13,753,336, G>T on the plus strand (C>A on the coding strand, the complement: GRIN2B is on the minus strand). VCF-style: chr12-13753336-G-T. GRCh37 (hg19) VCF-style: chr12-13906270-G-T.
Other names: short protein forms Q331K.
Identifiers: ClinVar variation 1189076 (VCV001189076.8), dbSNP rs1290922060, ClinGen allele CA384052977.